The following is an entry in ClinVar:

NM_181882.3(PRX):c.966G>T (p.Val322=)

Gene: PRX (periaxin; minus strand). Cytogenetic location: 19q13.2.
Variant type: single nucleotide variant.
Coding change: c.966G>T on transcript NM_181882.3 (MANE Select); coding-DNA position 966, G replaced by T.
Protein change: p.Val322=; no amino-acid change (valine 322 retained).
Molecular consequence: synonymous variant. On other transcripts: 3 prime UTR variant (1).
Genome position (GRCh38, 1-based): chr19:40,397,386, C>A on the plus strand (G>T on the coding strand, the complement: PRX is on the minus strand). VCF-style: chr19-40397386-C-A. GRCh37 (hg19) VCF-style: chr19-40903293-C-A.
Other names: c.*1171G>T (NM_020956.2).
Identifiers: ClinVar variation 329279 (VCV000329279.39), dbSNP rs139544245, ClinGen allele CA9444347.

ClinVar aggregate classification (germline): Conflicting classifications of pathogenicity. Review status: criteria provided, conflicting classifications (1 of 4 stars). 4 submissions from 4 submitters: Uncertain significance (1); Likely benign (3). Last evaluated 2025-12-16.

Conditions:
Inborn genetic diseases. Identifiers: MedGen C0950123, MeSH D030342.
Charcot-Marie-Tooth disease type 4. Also called: Charcot-Marie-Tooth, Type 4; Charcot-Marie-Tooth disease, type IV. Identifiers: Orphanet 64749, MedGen C4082197, MONDO:0018995.
Charcot-Marie-Tooth disease type 4F. Also called: Charcot-Marie-Tooth disease, demyelinating, type 4F. Identifiers: Orphanet 99952, MedGen C3540453, MONDO:0013959, OMIM 614895.

Allele frequency attached by ClinVar (database versions not stated): gnomAD exomes 0.00010; ExAC 0.00017; TOPMed 0.00040; gnomAD 0.00041 and 0.00042; ESP Exome Variant Server 0.00049; 1000 Genomes Project 0.00060; 1000 Genomes Project 30x 0.00062.
gnomAD v4.1: 103 of 1,612,574 alleles (0.0064%); highest among the groups gnomAD compares: African/African-American, 0.12%; no homozygotes.

Submissions (4):

Labcorp Genetics (formerly Invitae), Labcorp
Classification: Likely benign for Charcot-Marie-Tooth disease type 4. Last evaluated: 2025-12-16. Review status: criteria provided, single submitter. Criteria: Invitae Variant Classification Sherloc (09022015). Collection method: clinical testing. Allele origin: germline.

CeGaT Center for Human Genetics Tuebingen
Classification: Likely benign. Last evaluated: 2022-12-01. Review status: criteria provided, single submitter. Criteria: CeGaT Center For Human Genetics Tuebingen Variant Classification Criteria Version 2. Collection method: clinical testing. Allele origin: germline. Affected: yes. Observed: 1 variant allele.
Comment: PRX: BP4, BP7

Ambry Genetics
Classification: Likely benign for Inborn genetic diseases. Last evaluated: 2019-07-11. Review status: criteria provided, single submitter. Criteria: Ambry Variant Classification Scheme 2023. Collection method: clinical testing. Allele origin: germline.

Illumina Laboratory Services, Illumina
Classification: Uncertain significance for Charcot-Marie-Tooth disease type 4F. Last evaluated: 2018-01-13. Review status: criteria provided, single submitter. Criteria: ICSL Variant Classification Criteria 13 December 2019. Collection method: clinical testing. Allele origin: germline.